The following is an entry in ClinVar:

NM_001267550.2(TTN):c.27894del (p.Lys9298fs)

Gene: TTN (titin; minus strand). Cytogenetic location: 2q31.2.
Variant type: Deletion.
Coding change: c.27894del on transcript NM_001267550.2 (MANE Select); coding-DNA position 27894, one base deleted (A; older notation c.27894delA).
Protein change: p.Lys9298fs; shifts the reading frame from lysine 9298.
Molecular consequence: frameshift variant. On other transcripts: intron variant (3).
Genome position (GRCh38, 1-based): chr2:178,711,342, T deleted on the plus strand (A on the coding strand, the reverse complement: TTN is on the minus strand); the first of 5 consecutive T bases (chr2:178,711,342-178,711,346); deleting any one gives the same sequence. VCF-style (leftmost placement, unchanged base first): chr2-178711341-GT-G. GRCh37 (hg19) VCF-style: chr2-179576068-GT-G.
Other names: c.26943del, p.Lys8981fs (NM_001256850.1); c.27890delA, p.Lys9298Asnfs (NM_001267550.1); c.24162del, p.Lys8054fs (NM_133378.4); c.13282+26740del (NM_003319.4); c.13858+26740del (NM_133437.4); c.13657+26740del (NM_133432.3); short protein forms K8054fs, K8981fs, K9298fs.
Identifiers: ClinVar variation 3764243 (VCV003764243.1).

ClinVar aggregate classification (germline): Uncertain significance (1 of 4 stars; one submission).

Submission:

GeneDx
Classification: Uncertain significance. Last evaluated: 2024-08-19. Review status: criteria provided, single submitter. Criteria: GeneDx Variant Classification Process June 2021. Collection method: clinical testing. Allele origin: germline. Affected: yes.
Comment: Has not been previously published as pathogenic or benign to our knowledge; Not observed at significant frequency in large population cohorts (gnomAD); Frameshift variant predicted to result in protein truncation or nonsense mediated decay in a gene or region of a gene for which loss of function is not a well-established mechanism of disease